The following is an entry in ClinVar:

NM_003680.4(YARS1):c.1277T>C (p.Leu426Pro)

Gene: YARS1 (tyrosyl-tRNA synthetase 1; minus strand). Cytogenetic location: 1p35.1.
Variant type: single nucleotide variant.
Coding change: c.1277T>C on transcript NM_003680.4 (MANE Select); coding-DNA position 1277, T replaced by C.
Protein change: p.Leu426Pro; replaces leucine 426 with proline.
Molecular consequence: missense variant.
Genome position (GRCh38, 1-based): chr1:32,780,142, A>G on the plus strand (T>C on the coding strand, the complement: YARS1 is on the minus strand). VCF-style: chr1-32780142-A-G. GRCh37 (hg19) VCF-style: chr1-33245743-A-G.
Other names: short protein forms L426P.
Identifiers: ClinVar variation 4769816 (VCV004769816.1).

ClinVar aggregate classification (germline): Uncertain significance (1 of 4 stars; one submission).

Conditions:
Charcot-Marie-Tooth disease dominant intermediate C (CMTDIC). Also called: CHARCOT-MARIE-TOOTH NEUROPATHY, DOMINANT INTERMEDIATE C. Identifiers: Orphanet 100045, MedGen C1842237, MONDO:0012012, OMIM 608323.

gnomAD v4.1: 1 of 1,614,180 alleles (0.000062%); highest among the groups gnomAD compares: South Asian, 0.0011%; no homozygotes.

Submission:

Labcorp Genetics (formerly Invitae), Labcorp
Classification: Uncertain significance for Charcot-Marie-Tooth disease dominant intermediate C. Last evaluated: 2025-02-25. Review status: criteria provided, single submitter. Criteria: Invitae Variant Classification Sherloc (09022015). Collection method: clinical testing. Allele origin: germline.
Comment: This sequence change replaces leucine, which is neutral and non-polar, with proline, which is neutral and non-polar, at codon 426 of the YARS protein (p.Leu426Pro). This variant is present in population databases (rs756979929, gnomAD 0.003%). This variant has not been reported in the literature in individuals affected with YARS-related conditions. Invitae Evidence Modeling of protein sequence and biophysical properties (such as structural, functional, and spatial information, amino acid conservation, physicochemical variation, residue mobility, and thermodynamic stability) indicates that this missense variant is expected to disrupt YARS protein function with a positive predictive value of 80%. In summary, the available evidence is currently insufficient to determine the role of this variant in disease. Therefore, it has been classified as a Variant of Uncertain Significance.